The following is an entry in ClinVar:

ClinVar aggregate classification (germline): Uncertain significance (1 of 4 stars; one submission).

Submission:

GeneDx
Classification: Uncertain significance. Last evaluated: 2022-06-14. Review status: criteria provided, single submitter. Criteria: GeneDx Variant Classification Process June 2021. Collection method: clinical testing. Allele origin: germline. Affected: yes.
Comment: Not observed at significant frequency in large population cohorts (gnomAD); In silico analysis supports that this missense variant does not alter protein structure/function; Has not been previously published as pathogenic or benign to our knowledge

NM_017534.6(MYH2):c.3739G>A (p.Ala1247Thr)

Genes: MYH2 (myosin heavy chain 2; minus strand), MYHAS (myosin heavy chain gene cluster antisense RNA; plus strand). Cytogenetic location: 17p13.1.
Variant type: single nucleotide variant.
Coding change: c.3739G>A on transcript NM_017534.6 (MANE Select); coding-DNA position 3739, G replaced by A.
Protein change: p.Ala1247Thr; replaces alanine 1247 with threonine.
Molecular consequence: missense variant.
Genome position (GRCh38, 1-based): chr17:10,528,695, C>T on the plus strand (G>A on the coding strand, the complement: MYH2 is on the minus strand). VCF-style: chr17-10528695-C-T. GRCh37 (hg19) VCF-style: chr17-10432012-C-T.
Other names: c.3739G>A, p.Ala1247Thr (NM_001100112.2); short protein forms A1247T.
Identifiers: ClinVar variation 1804363 (VCV001804363.1), dbSNP rs2142298469, ClinGen allele CA398132313.